The following is an entry in ClinVar:

ClinVar aggregate classification (germline): Uncertain significance. Review status: criteria provided, multiple submitters, no conflicts (2 of 4 stars). 2 submissions from 2 submitters: Uncertain significance (2). Last evaluated 2024-06-17.

Conditions:
Inborn genetic diseases. Identifiers: MedGen C0950123, MeSH D030342.

Allele frequency attached by ClinVar (database versions not stated): ExAC 0.00002; TOPMed 0.00003; gnomAD 0.00006.
gnomAD v4.1: 73 of 1,613,626 alleles (0.0045%); highest among the groups gnomAD compares: Non-Finnish European, 0.0059%; no homozygotes.

Submissions (2):

Ambry Genetics
Classification: Uncertain significance for Inborn genetic diseases. Last evaluated: 2024-06-17. Review status: criteria provided, single submitter. Criteria: Ambry Variant Classification Scheme 2023. Collection method: clinical testing. Allele origin: germline.

Labcorp Genetics (formerly Invitae), Labcorp
Classification: Uncertain significance. Last evaluated: 2022-05-13. Review status: criteria provided, single submitter. Criteria: Invitae Variant Classification Sherloc (09022015). Collection method: clinical testing. Allele origin: germline.
Comment: In summary, the available evidence is currently insufficient to determine the role of this variant in disease. Therefore, it has been classified as a Variant of Uncertain Significance. Algorithms developed to predict the effect of missense changes on protein structure and function are either unavailable or do not agree on the potential impact of this missense change (SIFT: "Deleterious"; PolyPhen-2: "Probably Damaging"; Align-GVGD: "Class C0"). This variant has not been reported in the literature in individuals affected with EPRS-related conditions. This variant is present in population databases (rs749126455, gnomAD 0.006%). This sequence change replaces glycine, which is neutral and non-polar, with valine, which is neutral and non-polar, at codon 869 of the EPRS protein (p.Gly869Val).

NM_004446.3(EPRS1):c.2606G>T (p.Gly869Val)

Gene: EPRS1 (glutamyl-prolyl-tRNA synthetase 1; minus strand). Cytogenetic location: 1q41.
Variant type: single nucleotide variant.
Coding change: c.2606G>T on transcript NM_004446.3 (MANE Select); coding-DNA position 2606, G replaced by T.
Protein change: p.Gly869Val; replaces glycine 869 with valine.
Molecular consequence: missense variant.
Genome position (GRCh38, 1-based): chr1:219,988,759, C>A on the plus strand (G>T on the coding strand, the complement: EPRS1 is on the minus strand). VCF-style: chr1-219988759-C-A. GRCh37 (hg19) VCF-style: chr1-220162101-C-A.
Other names: c.2606G>T (NM_004446.2); short protein forms G869V.
Identifiers: ClinVar variation 2140408 (VCV002140408.5), dbSNP rs749126455, ClinGen allele CA1399928.
Genomic context (GRCh38, chr1:219,988,759, plus strand): 5'-CTGGTTGGGCTTGAATCCGAACTTTGAGATAATGGGGGCTGACCAGGTATGTACTCCTTC[C>A]CAGTTTTTTCTTTATACTGAGCCTTCAGGGACAGTAAGCATTCTACAGCTTCATTTATTT-3'
Protein context (NP_004437.2, residues 859-879): SLKAQYKEKT[Gly869Val]KEYIPGQPPL